The following is an entry in ClinVar:

ClinVar aggregate classification (germline): Pathogenic. Review status: reviewed by expert panel (3 of 4 stars). 3 submissions from 3 submitters: Pathogenic (1). 2 of the submissions do not count toward it. Last evaluated 2023-12-09.

Conditions:
Hereditary thrombocytopenia and hematological cancer predisposition syndrome associated with RUNX1. Also called: PLATELET DISORDER, ASPIRIN-LIKE; RUNX1 Familial Platelet Disorder with Associated Myeloid Malignancies; Familial Platelet Disorder with Propensity to Acute Myelogenous Leukemia; Familial thrombocytopenia with propensity to acute myelogenous leukemia. Identifiers: Orphanet 71290, MedGen C1832388, MeSH C563324, MONDO:0100083, OMIM 601399.
Hereditary thrombocytopenia and hematologic cancer predisposition syndrome. Identifiers: Orphanet 71290, MedGen CN281654, MONDO:0011071.

Submissions (3):

ClinGen Myeloid Malignancy Variant Curation Expert Panel
Classification: Pathogenic for Hereditary thrombocytopenia and hematologic cancer predisposition syndrome. Last evaluated: 2023-12-09. Review status: reviewed by expert panel. Criteria: ClinGen MyeloMalig ACMG Specifications v2. Collection method: curation. Allele origin: germline. Inheritance: Autosomal dominant inheritance.
Comment: The NM_001754.5(RUNX1):c.847C>T (p.Gln283Ter) is a nonsense variant that is predicted to cause a premature stop codon in a gene in which loss-of-function is an established mechanism (nonsense c.98-c.916 as per VCEP specifications) (PVS1).This variant is completely absent from all population databases with at least 20x coverage for RUNX1 (PM2_Supporting). This nonsense variant is downstream of c.98 in transcript NM_001754.4 (PM5_Supporting). In summary, this variant meets the criteria to be classified as pathogenic. ACMG/AMP criteria applied, as specified by the Myeloid Malignancy Variant Curation Expert Panel for RUNX1: PVS1, PM2_supporting, PM5_supporting.

Labcorp Genetics (formerly Invitae), Labcorp
Classification: Pathogenic for Hereditary thrombocytopenia and hematological cancer predisposition syndrome associated with RUNX1. Last evaluated: 2023-08-03. Review status: criteria provided, single submitter. Criteria: Invitae Variant Classification Sherloc (09022015). Collection method: clinical testing. Allele origin: germline. Not counted in ClinVar's aggregate classification.
Comment: For these reasons, this variant has been classified as Pathogenic. ClinVar contains an entry for this variant (Variation ID: 1691248). This variant has not been reported in the literature in individuals affected with RUNX1-related conditions. This variant is not present in population databases (gnomAD no frequency). This sequence change creates a premature translational stop signal (p.Gln283*) in the RUNX1 gene. It is expected to result in an absent or disrupted protein product. Loss-of-function variants in RUNX1 are known to be pathogenic (PMID: 18723428, 24100448).

ISTH-SSC Genomics in Thrombosis and Hemostasis, KU Leuven, Center for Molecular and Vascular Biology
Classification: Pathogenic for Hereditary thrombocytopenia and hematological cancer predisposition syndrome associated with RUNX1. Review status: no assertion criteria provided. Collection method: research. Allele origin: unknown. Affected: yes. Not counted in ClinVar's aggregate classification.
Comment: Submitted to GoldVariant by Dr Marie-Christine Morel-Kopp from Northern Blood Research Centre, Sydney, Australia

Literature cited by the submitters: PubMed 18723428 (cited by Labcorp Genetics (formerly Invitae), Labcorp); PubMed 24100448 (cited by Labcorp Genetics (formerly Invitae), Labcorp).

NM_001754.5(RUNX1):c.847C>T (p.Gln283Ter)

Gene: RUNX1 (RUNX family transcription factor 1; minus strand). Cytogenetic location: 21q22.12.
Variant type: single nucleotide variant.
Coding change: c.847C>T on transcript NM_001754.5 (MANE Select); coding-DNA position 847, C replaced by T.
Protein change: p.Gln283Ter; replaces glutamine 283 with a stop codon.
Molecular consequence: nonsense.
Genome position (GRCh38, 1-based): chr21:34,799,421, G>A on the plus strand (C>T on the coding strand, the complement: RUNX1 is on the minus strand). VCF-style: chr21-34799421-G-A. GRCh37 (hg19) VCF-style: chr21-36171718-G-A.
Other names: NM_001754.5(RUNX1):c.847C>T; p.Gln283Ter; c.766C>T, p.Gln256Ter (NM_001001890.3); short protein forms Q256*, Q283*.
Identifiers: ClinVar variation 1691248 (VCV001691248.5), dbSNP rs374341207, ClinGen allele CA410150178.
Genomic context (GRCh38, chr21:34,799,421, plus strand): 5'-AAATGGGCGTTGCTGGGTGCACAGAAGGAGAGGCAATGGATCCCAGGTATTGGTAGGACT[G>A]ATCGTAGGACCACGGTGGGGATGGTTGGATCTGCCTTGTATCTGAAGAGAATCAGAAAGG-3'